The following is an entry in ClinVar:

NM_022552.5(DNMT3A):c.821C>T (p.Ala274Val)

Gene: DNMT3A (DNA methyltransferase 3 alpha; minus strand). Cytogenetic location: 2p23.3.
Variant type: single nucleotide variant.
Coding change: c.821C>T on transcript NM_022552.5 (MANE Select); coding-DNA position 821, C replaced by T.
Protein change: p.Ala274Val; replaces alanine 274 with valine.
Molecular consequence: missense variant. On other transcripts: non-coding transcript variant (1).
Genome position (GRCh38, 1-based): chr2:25,248,071, G>A on the plus strand (C>T on the coding strand, the complement: DNMT3A is on the minus strand). VCF-style: chr2-25248071-G-A. GRCh37 (hg19) VCF-style: chr2-25470940-G-A.
Other names: c.365C>T, p.Ala122Val (NM_001320893.1); c.152C>T, p.Ala51Val (NM_001375819.1); c.254C>T, p.Ala85Val (NM_153759.3); c.821C>T, p.Ala274Val (NM_175629.2); short protein forms A122V, A274V, A51V, A85V.
Identifiers: ClinVar variation 4870037 (VCV004870037.1).
Genomic context (GRCh38, chr2:25,248,071, plus strand): 5'-CCACGGCTGGTGAAGAAGCCGCTCACCTCGTACTCTGGCTCGTCATCGCCTGCTTTGGTG[G>A]CATTCTTGTCCCCAGCATCGGACCCCACGGGCTCAGGCGTGGTAGCCACAGTGGGGGATG-3'
Protein context (NP_072046.2, residues 264-284): PVGSDAGDKN[Ala274Val]TKAGDDEPEY

ClinVar aggregate classification (germline): Uncertain significance (1 of 4 stars; one submission).

Conditions:
Inborn genetic diseases. Identifiers: MedGen C0950123, MeSH D030342.

Submission:

Ambry Genetics
Classification: Uncertain significance for Inborn genetic diseases. Last evaluated: 2026-05-19. Review status: criteria provided, single submitter. Criteria: Ambry Variant Classification Scheme 2023. Collection method: clinical testing. Allele origin: germline.
Comment: The p.A274V variant (also known as c.821C>T), located in coding exon 6 of the DNMT3A gene, results from a C to T substitution at nucleotide position 821. The alanine at codon 274 is replaced by valine, an amino acid with similar properties. This amino acid position is conserved. In addition, this alteration is predicted to be tolerated by in silico analysis. Based on the available evidence, the clinical significance of this variant remains unclear.